The following is an entry in ClinVar:

ClinVar aggregate classification (germline): Likely benign (1 of 4 stars; one submission).

Conditions:
VHL-related disorder. Also called: VHL-related condition.

gnomAD v4.1: 83 of 1,607,576 alleles (0.0052%); highest among the groups gnomAD compares: Non-Finnish European, 0.0067%; no homozygotes.

Submission:

PreventionGenetics, part of Exact Sciences
Classification: Likely benign for VHL-related condition. Last evaluated: 2026-03-01. Review status: criteria provided, single submitter. Criteria: ACMG Guidelines, 2015. Collection method: clinical testing. Allele origin: germline.
Comment: This variant is classified as likely benign based on ACMG/AMP sequence variant interpretation guidelines (Richards et al. 2015 PMID: 25741868, with internal and published modifications).

NM_000551.4(VHL):c.341-56G>T

Genes: VHL (von Hippel-Lindau tumor suppressor; plus strand), LOC107303340 (3p25 von Hippel-Lindau tumor suppressor, E3 ubiquitin protein ligase Alu-mediated recombination region; plus strand). Cytogenetic location: 3p25.3.
Variant type: single nucleotide variant.
Coding change: c.341-56G>T on transcript NM_000551.4 (MANE Select); 56 bases into the intron before coding-DNA position 341, G replaced by T.
Molecular consequence: intron variant.
Genome position (GRCh38, 1-based): chr3:10,146,458, G>T. VCF-style: chr3-10146458-G-T. GRCh37 (hg19) VCF-style: chr3-10188142-G-T.
Other names: c.*18-3329G>T (NM_001354723.2); c.341-3329G>T (NM_198156.3).
Identifiers: ClinVar variation 4978453 (VCV004978453.1).